The following is an entry in ClinVar:

ClinVar aggregate classification (germline): Uncertain significance (1 of 4 stars; one submission).

Conditions:
Early-infantile DEE. Also called: Ohtahara syndrome; Early infantile epileptic encephalopathy with suppression bursts; Early infantile epileptic encephalopathy. Identifiers: Orphanet 1934, MedGen C0393706, MONDO:0800491.

Allele frequency attached by ClinVar (database versions not stated): gnomAD exomes below 0.00001; ExAC 0.00001.
gnomAD v4.1: 1 of 1,611,058 alleles (0.000062%); highest among the groups gnomAD compares: South Asian, 0.0011%; no homozygotes.

Submission:

Labcorp Genetics (formerly Invitae), Labcorp
Classification: Uncertain significance for Early-infantile DEE. Last evaluated: 2024-10-22. Review status: criteria provided, single submitter. Criteria: Invitae Variant Classification Sherloc (09022015). Collection method: clinical testing. Allele origin: germline.
Comment: This sequence change replaces glycine, which is neutral and non-polar, with aspartic acid, which is acidic and polar, at codon 1184 of the SCN1A protein (p.Gly1184Asp). This variant is present in population databases (rs746541835, gnomAD 0.003%). This variant has not been reported in the literature in individuals affected with SCN1A-related conditions. ClinVar contains an entry for this variant (Variation ID: 848480). An algorithm developed to predict the effect of missense changes on protein structure and function (PolyPhen-2) suggests that this variant is likely to be tolerated. In summary, the available evidence is currently insufficient to determine the role of this variant in disease. Therefore, it has been classified as a Variant of Uncertain Significance.

NM_001165963.4(SCN1A):c.3551G>A (p.Gly1184Asp)

Genes: SCN1A (sodium voltage-gated channel alpha subunit 1; minus strand), LOC102724058 (uncharacterized LOC102724058; plus strand). Cytogenetic location: 2q24.3.
Variant type: single nucleotide variant.
Coding change: c.3551G>A on transcript NM_001165963.4 (MANE Select); coding-DNA position 3551, G replaced by A.
Protein change: p.Gly1184Asp; replaces glycine 1184 with aspartic acid.
Molecular consequence: missense variant. On other transcripts: non-coding transcript variant (1).
Genome position (GRCh38, 1-based): chr2:166,013,898, C>T on the plus strand (G>A on the coding strand, the complement: SCN1A is on the minus strand). VCF-style: chr2-166013898-C-T. GRCh37 (hg19) VCF-style: chr2-166870408-C-T.
Other names: c.3467G>A, p.Gly1156Asp (NM_001165964.3, NM_001353957.2, NM_001353958.2); c.3551G>A, p.Gly1184Asp (NM_001202435.3, NM_001353948.2); c.3518G>A, p.Gly1173Asp (NM_001353949.2, NM_001353950.2, NM_001353951.2 and 2 more transcripts); c.3515G>A, p.Gly1172Asp (NM_001353954.2, NM_001353955.2); c.3464G>A, p.Gly1155Asp (NM_001353960.2); c.1109G>A, p.Gly370Asp (NM_001353961.2); short protein forms G1156D, G370D, G1155D, G1173D, G1184D, G1172D.
Identifiers: ClinVar variation 848480 (VCV000848480.12), dbSNP rs746541835, ClinGen allele CA1942921.
Genomic context (GRCh38, chr2:166,013,898, plus strand): 5'-CATTGTTTTCCTCTGCCTTCTTCCACATTGATTTGACAACACTTGAATCTTTGTACACAG[C>T]CTGCAGAAAGTGTTGAAATAAAAGTAGATAAAGTGTCTCTGCTTCCATAATATCCTTTAG-3'
Protein context (NP_001159435.1, residues 1174-1194): TLEPEACFTE[Gly1184Asp]CVQRFKCCQI